The following is an entry in ClinVar:

NM_031407.7(HUWE1):c.1123A>G (p.Met375Val)

Gene: HUWE1 (HECT, UBA and WWE domain containing E3 ubiquitin protein ligase 1; minus strand). Cytogenetic location: Xp11.22.
Variant type: single nucleotide variant.
Coding change: c.1123A>G on transcript NM_031407.7 (MANE Select); coding-DNA position 1123, A replaced by G.
Protein change: p.Met375Val; replaces methionine 375 with valine.
Molecular consequence: missense variant.
Genome position (GRCh38, 1-based): chrX:53,628,612, T>C on the plus strand (A>G on the coding strand, the complement: HUWE1 is on the minus strand). VCF-style: chrX-53628612-T-C. GRCh37 (hg19) VCF-style: chrX-53655563-T-C.
Other names: short protein forms M375V.
Identifiers: ClinVar variation 4055984 (VCV004055984.1).

ClinVar aggregate classification (germline): Uncertain significance (1 of 4 stars; one submission).

gnomAD v4.1: 2 of 1,174,360 alleles (0.00017%); highest among the groups gnomAD compares: Non-Finnish European, 0.00023%; no homozygotes.

Submission:

GeneDx
Classification: Uncertain significance. Last evaluated: 2024-12-31. Review status: criteria provided, single submitter. Criteria: GeneDx Variant Classification Process June 2021. Collection method: clinical testing. Allele origin: germline. Affected: yes.
Comment: In silico analysis indicates that this missense variant does not alter protein structure/function; Has not been previously published as pathogenic or benign to our knowledge